The following is an entry in ClinVar:

ClinVar aggregate classification (germline): Uncertain significance (1 of 4 stars; one submission).

Allele frequency attached by ClinVar (database versions not stated): gnomAD exomes below 0.00001; ExAC 0.00001; gnomAD 0.00001.

Submission:

Labcorp Genetics (formerly Invitae), Labcorp
Classification: Uncertain significance. Last evaluated: 2022-07-04. Review status: criteria provided, single submitter. Criteria: Invitae Variant Classification Sherloc (09022015). Collection method: clinical testing. Allele origin: germline.
Comment: This variant has not been reported in the literature in individuals affected with KCNQ5-related conditions. This variant is present in population databases (rs781763407, gnomAD 0.004%). This sequence change replaces arginine, which is basic and polar, with histidine, which is basic and polar, at codon 241 of the KCNQ5 protein (p.Arg241His). Advanced modeling of protein sequence and biophysical properties (such as structural, functional, and spatial information, amino acid conservation, physicochemical variation, residue mobility, and thermodynamic stability) performed at Invitae indicates that this missense variant is expected to disrupt KCNQ5 protein function. In summary, the available evidence is currently insufficient to determine the role of this variant in disease. Therefore, it has been classified as a Variant of Uncertain Significance.

NM_019842.4(KCNQ5):c.722G>A (p.Arg241His)

Gene: KCNQ5 (potassium voltage-gated channel subfamily Q member 5; plus strand). Cytogenetic location: 6q13.
Variant type: single nucleotide variant.
Coding change: c.722G>A on transcript NM_019842.4 (MANE Select); coding-DNA position 722, G replaced by A.
Protein change: p.Arg241His; replaces arginine 241 with histidine.
Molecular consequence: missense variant.
Genome position (GRCh38, 1-based): chr6:73,077,427, G>A. VCF-style: chr6-73077427-G-A. GRCh37 (hg19) VCF-style: chr6-73787150-G-A.
Other names: c.722G>A, p.Arg241His (NM_001160130.2, NM_001160132.2, NM_001160133.2 and 1 more transcripts); short protein forms R241H.
Identifiers: ClinVar variation 1898573 (VCV001898573.5), dbSNP rs781763407, ClinGen allele CA3886828.